The following is an entry in ClinVar:

NM_004055.5(CAPN5):c.1362dup (p.Arg455fs)

Gene: CAPN5 (calpain 5; plus strand). Cytogenetic location: 11q13.5.
Variant type: Duplication.
Coding change: c.1362dup on transcript NM_004055.5 (MANE Select); coding-DNA position 1362, one base duplicated (A; older notation c.1362dupA).
Protein change: p.Arg455fs; shifts the reading frame from arginine 455.
Molecular consequence: frameshift variant. On other transcripts: non-coding transcript variant (1).
Genome position (GRCh38, 1-based): chr11:77,120,784, A duplicated. VCF-style (leftmost placement, unchanged base first): chr11-77120783-C-CA. GRCh37 (hg19) VCF-style: chr11-76831829-C-CA.
Other names: c.1482dup, p.Arg495fs (NM_001425321.1); c.1362dup, p.Arg455fs (NM_001425322.1); c.1230dup, p.Arg411fs (NM_001425323.1); short protein forms R411fs, R455fs, R495fs.
Identifiers: ClinVar variation 4716650 (VCV004716650.1).

ClinVar aggregate classification (germline): Uncertain significance (1 of 4 stars; one submission).

Submission:

Labcorp Genetics (formerly Invitae), Labcorp
Classification: Uncertain significance. Last evaluated: 2025-04-02. Review status: criteria provided, single submitter. Criteria: Invitae Variant Classification Sherloc (09022015). Collection method: clinical testing. Allele origin: germline.
Comment: This sequence change creates a premature translational stop signal (p.Arg455Thrfs*36) in the CAPN5 gene. It is expected to result in an absent or disrupted protein product. However, the current clinical and genetic evidence is not sufficient to establish whether loss-of-function variants in CAPN5 cause disease. This variant is not present in population databases (gnomAD no frequency). This variant has not been reported in the literature in individuals affected with CAPN5-related conditions. In summary, the available evidence is currently insufficient to determine the role of this variant in disease. Therefore, it has been classified as a Variant of Uncertain Significance.